The following is an entry in ClinVar:

NM_001308093.3(GATA4):c.290C>T (p.Ala97Val)

Gene: GATA4 (GATA binding protein 4). Cytogenetic location: 8p23.1.
Variant type: single nucleotide variant.
Coding change: c.290C>T on transcript NM_001308093.3 (MANE Select); coding-DNA position 290, C replaced by T.
Protein change: p.Ala97Val; replaces alanine 97 with valine.
Molecular consequence: missense variant. On other transcripts: intron variant (3).
Genome position (GRCh38, 1-based): chr8:11,708,602, C>T. VCF-style: chr8-11708602-C-T. GRCh37 (hg19) VCF-style: chr8-11566111-C-T.
Other names: c.290C>T, p.Ala97Val (NM_002052.5); c.-6+7824C>T (NM_001308094.2); c.-3+588C>T (NM_001374274.1); c.-3+4298C>T (NM_001374273.1); c.290C>T (NM_002052.3); short protein forms A97V.
Identifiers: ClinVar variation 2756792 (VCV002756792.4), dbSNP rs1325954118, ClinGen allele CA370309324.

ClinVar aggregate classification (germline): Uncertain significance. Review status: criteria provided, multiple submitters, no conflicts (2 of 4 stars). 2 submissions from 2 submitters: Uncertain significance (2). Last evaluated 2025-03-12.

Conditions:
Atrioventricular septal defect 4 (AVSD4). Identifiers: MedGen C3280781, MONDO:0013747, OMIM 614430.

Allele frequency attached by ClinVar (database versions not stated): TOPMed 0.00001; gnomAD 0.00001.
gnomAD v4.1: 3 of 1,342,256 alleles (0.00022%); highest among the groups gnomAD compares: African/African-American, 0.003%; no homozygotes.

Submissions (2):

Labcorp Genetics (formerly Invitae), Labcorp
Classification: Uncertain significance for Atrioventricular septal defect 4. Last evaluated: 2025-03-12. Review status: criteria provided, single submitter. Criteria: Invitae Variant Classification Sherloc (09022015). Collection method: clinical testing. Allele origin: germline.
Comment: This sequence change replaces alanine, which is neutral and non-polar, with valine, which is neutral and non-polar, at codon 97 of the GATA4 protein (p.Ala97Val). This variant is not present in population databases (gnomAD no frequency). This variant has not been reported in the literature in individuals affected with GATA4-related conditions. ClinVar contains an entry for this variant (Variation ID: 2756792). Invitae Evidence Modeling of protein sequence and biophysical properties (such as structural, functional, and spatial information, amino acid conservation, physicochemical variation, residue mobility, and thermodynamic stability) indicates that this missense variant is not expected to disrupt GATA4 protein function with a negative predictive value of 95%. In summary, the available evidence is currently insufficient to determine the role of this variant in disease. Therefore, it has been classified as a Variant of Uncertain Significance.

GeneDx
Classification: Uncertain significance. Last evaluated: 2025-02-11. Review status: criteria provided, single submitter. Criteria: GeneDx Variant Classification Process June 2021. Collection method: clinical testing. Allele origin: germline. Affected: yes.
Comment: Not observed at significant frequency in large population cohorts (gnomAD); In silico analysis indicates that this missense variant does not alter protein structure/function; Has not been previously published as pathogenic or benign to our knowledge